The following is an entry in ClinVar:

NM_015338.6(ASXL1):c.4442G>A (p.Gly1481Asp)

Gene: ASXL1 (ASXL transcriptional regulator 1; plus strand). Cytogenetic location: 20q11.21.
Variant type: single nucleotide variant.
Coding change: c.4442G>A on transcript NM_015338.6 (MANE Select); coding-DNA position 4442, G replaced by A.
Protein change: p.Gly1481Asp; replaces glycine 1481 with aspartic acid.
Molecular consequence: missense variant.
Genome position (GRCh38, 1-based): chr20:32,437,154, G>A. VCF-style: chr20-32437154-G-A. GRCh37 (hg19) VCF-style: chr20-31024957-G-A.
Other names: c.4259G>A, p.Gly1420Asp (NM_001363734.1); short protein forms G1420D, G1481D.
Identifiers: ClinVar variation 3623260 (VCV003623260.3).
Genomic context (GRCh38, chr20:32,437,154, plus strand): 5'-CCACCTTTCCCAAAGGCCTTGCTGGAAGTGTGGTGCAGCTGAGCCACAAAGCAAACTTTG[G>A]TGCGAGCCACAGTGCATCACTTTCCTTGCAAATGTTCACTGACAGCAGCACGGTGGAAAG-3'
Protein context (NP_056153.2, residues 1471-1491): VVQLSHKANF[Gly1481Asp]ASHSASLSLQ

ClinVar aggregate classification (germline): Conflicting classifications of pathogenicity. Review status: criteria provided, conflicting classifications (1 of 4 stars). 2 submissions from 2 submitters: Uncertain significance (1); Likely benign (1). Last evaluated 2025-03-12.

Conditions:
Inborn genetic diseases. Identifiers: MedGen C0950123, MeSH D030342.

Submissions (2):

Ambry Genetics
Classification: Likely benign for Inborn genetic diseases. Last evaluated: 2025-03-12. Review status: criteria provided, single submitter. Criteria: Ambry Variant Classification Scheme 2023. Collection method: clinical testing. Allele origin: germline.

Labcorp Genetics (formerly Invitae), Labcorp
Classification: Uncertain significance. Last evaluated: 2025-01-20. Review status: criteria provided, single submitter. Criteria: Invitae Variant Classification Sherloc (09022015). Collection method: clinical testing. Allele origin: germline.
Comment: This sequence change replaces glycine, which is neutral and non-polar, with aspartic acid, which is acidic and polar, at codon 1481 of the ASXL1 protein (p.Gly1481Asp). This variant is present in population databases (no rsID available, gnomAD 0.007%). This variant has not been reported in the literature in individuals affected with ASXL1-related conditions. An algorithm developed to predict the effect of missense changes on protein structure and function (PolyPhen-2) suggests that this variant is likely to be disruptive. In summary, the available evidence is currently insufficient to determine the role of this variant in disease. Therefore, it has been classified as a Variant of Uncertain Significance.